The following is an entry in ClinVar:

ClinVar aggregate classification (germline): Uncertain significance. Review status: criteria provided, multiple submitters, no conflicts (2 of 4 stars). 2 submissions from 2 submitters: Uncertain significance (2). Last evaluated 2025-08-30.

Conditions:
Emery-Dreifuss muscular dystrophy 5, autosomal dominant (EDMD5). Also called: EMERY-DREIFUSS MUSCULAR DYSTROPHY 5. Identifiers: Orphanet 261, MedGen C2751805, MONDO:0013072, OMIM 612999.

Allele frequency attached by ClinVar (database versions not stated): gnomAD exomes 0.00001; ExAC 0.00002; TOPMed 0.00003.
gnomAD v4.1: 3 of 1,614,136 alleles (0.00019%); highest among the groups gnomAD compares: Admixed American, 0.005%; no homozygotes.

Submissions (2):

Ambry Genetics
Classification: Uncertain significance. Last evaluated: 2025-08-30. Review status: criteria provided, single submitter. Criteria: Ambry Variant Classification Scheme 2023. Collection method: clinical testing. Allele origin: germline.

Labcorp Genetics (formerly Invitae), Labcorp
Classification: Uncertain significance for Emery-Dreifuss muscular dystrophy 5, autosomal dominant. Last evaluated: 2023-06-05. Review status: criteria provided, single submitter. Criteria: Invitae Variant Classification Sherloc (09022015). Collection method: clinical testing. Allele origin: germline.
Comment: This sequence change replaces isoleucine, which is neutral and non-polar, with valine, which is neutral and non-polar, at codon 6622 of the SYNE2 protein (p.Ile6622Val). This variant is present in population databases (rs758401424, gnomAD 0.003%). This variant has not been reported in the literature in individuals affected with SYNE2-related conditions. An algorithm developed to predict the effect of missense changes on protein structure and function (PolyPhen-2) suggests that this variant is likely to be disruptive. In summary, the available evidence is currently insufficient to determine the role of this variant in disease. Therefore, it has been classified as a Variant of Uncertain Significance.

NM_182914.3(SYNE2):c.19864A>G (p.Ile6622Val)

Gene: SYNE2 (spectrin repeat containing nuclear envelope protein 2; plus strand). Cytogenetic location: 14q23.2.
Variant type: single nucleotide variant.
Coding change: c.19864A>G on transcript NM_182914.3 (MANE Select); coding-DNA position 19864, A replaced by G.
Protein change: p.Ile6622Val; replaces isoleucine 6622 with valine.
Molecular consequence: missense variant.
Genome position (GRCh38, 1-based): chr14:64,220,440, A>G. VCF-style: chr14-64220440-A-G. GRCh37 (hg19) VCF-style: chr14-64687158-A-G.
Other names: c.19795A>G, p.Ile6599Val (NM_015180.6); c.388A>G, p.Ile130Val (NM_182910.2); c.766A>G, p.Ile256Val (NM_182913.4); c.19864A>G (NM_182914.2); short protein forms I6622V, I130V, I256V, I6599V.
Identifiers: ClinVar variation 2756764 (VCV002756764.4), dbSNP rs758401424, ClinGen allele CA7224625.